The following is an entry in ClinVar:

ClinVar aggregate classification (germline): Likely benign (1 of 4 stars; one submission).

Conditions:
Mucopolysaccharidosis, MPS-III-C (MPS3C). Also called: mucopolysaccharidosis type 3C; MUCOPOLYSACCHARIDOSIS, TYPE IIIC; SANFILIPPO SYNDROME C; MPS III C; Mucopolysaccharidosis type IIIC (Sanfilippo C); MPS IIIC (Sanfilippo Syndrome Type C). Identifiers: Orphanet 581, Orphanet 79271, MedGen C0086649, MONDO:0009657, OMIM 252930.

Allele frequency attached by ClinVar (database versions not stated): 1000 Genomes Project 0.00419; 1000 Genomes Project 30x 0.00547; TOPMed 0.00484; gnomAD 0.00479 and 0.00446; gnomAD exomes 0.00685.
gnomAD v4.1: 671 of 152,464 alleles (0.44%); highest among the groups gnomAD compares: African/African-American, 1.5%; 8 homozygotes.

Submission:

Illumina Laboratory Services, Illumina
Classification: Likely benign for Mucopolysaccharidosis, MPS-III-C. Last evaluated: 2018-01-12. Review status: criteria provided, single submitter. Criteria: ICSL Variant Classification Criteria 13 December 2019. Collection method: clinical testing. Allele origin: germline.
Comment: This variant was observed in the ICSL laboratory as part of a predisposition screen in an ostensibly healthy population. It had not been previously curated by ICSL or reported in the Human Gene Mutation Database (HGMD: prior to June 1st, 2018), and was therefore a candidate for classification through an automated scoring system. Utilizing variant allele frequency, disease prevalence and penetrance estimates, and inheritance mode, an automated score was calculated to assess if this variant is too frequent to cause the disease. Based on the score and internal cut-off values, a variant classified as likely benign is not then subjected to further curation. The score for this variant resulted in a classification of likely benign for this disease.

NM_152419.3(HGSNAT):c.*2767C>T

Gene: HGSNAT (heparan-alpha-glucosaminide N-acetyltransferase; plus strand). Cytogenetic location: 8p11.1.
Variant type: single nucleotide variant.
Coding change: c.*2767C>T on transcript NM_152419.3 (MANE Select); 2767 bases downstream of the stop codon, C replaced by T.
Molecular consequence: 3 prime UTR variant.
Genome position (GRCh38, 1-based): chr8:43,202,336, C>T. VCF-style: chr8-43202336-C-T. GRCh37 (hg19) VCF-style: chr8-43057479-C-T.
Other names: c.*2767C>T (NM_001363227.2, NM_001363228.2, NM_001363229.2).
Identifiers: ClinVar variation 911832 (VCV000911832.4), dbSNP rs74762381, ClinGen allele CA176078082.